The following is an entry in ClinVar:

ClinVar aggregate classification (germline): Pathogenic (1 of 4 stars; one submission).

Allele frequency attached by ClinVar (database versions not stated): gnomAD exomes below 0.00001.
gnomAD v4.1: 1 of 1,613,320 alleles (0.000062%); highest among the groups gnomAD compares: Non-Finnish European, 0.000085%; no homozygotes.

Submission:

Labcorp Genetics (formerly Invitae), Labcorp
Classification: Pathogenic. Last evaluated: 2025-03-22. Review status: criteria provided, single submitter. Criteria: Invitae Variant Classification Sherloc (09022015). Collection method: clinical testing. Allele origin: germline.
Comment: This sequence change creates a premature translational stop signal (p.Arg2844*) in the FAT4 gene. It is expected to result in an absent or disrupted protein product. Loss-of-function variants in FAT4 are known to be pathogenic (PMID: 24056717, 24913602). This variant is not present in population databases (gnomAD no frequency). This variant has not been reported in the literature in individuals affected with FAT4-related conditions. ClinVar contains an entry for this variant (Variation ID: 2033900). For these reasons, this variant has been classified as Pathogenic.

Literature cited by the submitters: PubMed 24056717; PubMed 24913602.

NM_001291303.3(FAT4):c.8536C>T (p.Arg2846Ter)

Gene: FAT4 (FAT atypical cadherin 4; plus strand). Cytogenetic location: 4q28.1.
Variant type: single nucleotide variant.
Coding change: c.8536C>T on transcript NM_001291303.3 (MANE Select); coding-DNA position 8536, C replaced by T.
Protein change: p.Arg2846Ter; replaces arginine 2846 with a stop codon.
Molecular consequence: nonsense.
Genome position (GRCh38, 1-based): chr4:125,449,546, C>T. VCF-style: chr4-125449546-C-T. GRCh37 (hg19) VCF-style: chr4-126370701-C-T.
Other names: c.8536C>T, p.Arg2846Ter (NM_001291285.3); c.8530C>T, p.Arg2844Ter (NM_024582.6); short protein forms R2846*, R2844*.
Identifiers: ClinVar variation 2033900 (VCV002033900.4), dbSNP rs2530896937, ClinGen allele CA358146434.